The following is an entry in ClinVar:

NM_001083962.2(TCF4):c.555T>A (p.Tyr185Ter)

Gene: TCF4 (transcription factor 4; minus strand). Cytogenetic location: 18q21.2.
Variant type: single nucleotide variant.
Coding change: c.555T>A on transcript NM_001083962.2 (MANE Select); coding-DNA position 555, T replaced by A.
Protein change: p.Tyr185Ter; replaces tyrosine 185 with a stop codon.
Molecular consequence: nonsense. On other transcripts: 5 prime UTR variant (1).
Genome position (GRCh38, 1-based): chr18:55,279,651, A>T on the plus strand (T>A on the coding strand, the complement: TCF4 is on the minus strand). VCF-style: chr18-55279651-A-T. GRCh37 (hg19) VCF-style: chr18-52946882-A-T.
Other names: c.861T>A, p.Tyr287Ter (NM_001243226.3); c.483T>A, p.Tyr161Ter (NM_001243227.2, NM_001306207.1, NM_001348217.1 and 9 more transcripts); c.573T>A, p.Tyr191Ter (NM_001243228.2); c.549T>A, p.Tyr183Ter (NM_001243230.2); c.429T>A, p.Tyr143Ter (NM_001243231.2, NM_001348211.2); c.342T>A, p.Tyr114Ter (NM_001243232.1, NM_001306208.1); c.165T>A, p.Tyr55Ter (NM_001243233.2, NM_001330605.3, NM_001348212.2 and 1 more transcripts); c.75T>A, p.Tyr25Ter (NM_001243234.2, NM_001243235.2, NM_001243236.2 and 2 more transcripts); and 4 more; short protein forms Y114*, Y160*, Y161*, Y184*, Y25*, Y287*, Y55*, Y143*.
Identifiers: ClinVar variation 2005196 (VCV002005196.4), dbSNP rs2512776550, ClinGen allele CA402701924.

ClinVar aggregate classification (germline): Pathogenic (1 of 4 stars; one submission).

Conditions:
Pitt-Hopkins syndrome (PTHS). Also called: ENCEPHALOPATHY, SEVERE EPILEPTIC, WITH AUTONOMIC DYSFUNCTION; MENTAL RETARDATION, SYNDROMAL, WITH INTERMITTENT HYPERVENTILATION. Identifiers: Orphanet 2896, MedGen C1970431, MONDO:0012589, OMIM 610954.

Submission:

Labcorp Genetics (formerly Invitae), Labcorp
Classification: Pathogenic for Pitt-Hopkins syndrome. Last evaluated: 2022-11-01. Review status: criteria provided, single submitter. Criteria: Invitae Variant Classification Sherloc (09022015). Collection method: clinical testing. Allele origin: germline.
Comment: For these reasons, this variant has been classified as Pathogenic. This variant has not been reported in the literature in individuals affected with TCF4-related conditions. This variant is not present in population databases (gnomAD no frequency). This sequence change creates a premature translational stop signal (p.Tyr185*) in the TCF4 gene. It is expected to result in an absent or disrupted protein product. Loss-of-function variants in TCF4 are known to be pathogenic (PMID: 18728071, 22045651).

Literature cited by the submitters: PubMed 18728071; PubMed 22045651.